The following is an entry in ClinVar:

ClinVar aggregate classification (germline): Uncertain significance (1 of 4 stars; one submission).

Conditions:
Noonan syndrome 9 (NS9). Identifiers: Orphanet 648, MedGen C4225282, MONDO:0014691, OMIM 616559.

gnomAD v4.1: 2 of 1,606,890 alleles (0.00012%); highest among the groups gnomAD compares: East Asian, 0.0045%; no homozygotes.

Submission:

Labcorp Genetics (formerly Invitae), Labcorp
Classification: Uncertain significance for Noonan syndrome 9. Last evaluated: 2025-07-08. Review status: criteria provided, single submitter. Criteria: Invitae Variant Classification Sherloc (09022015). Collection method: clinical testing. Allele origin: germline.
Comment: This sequence change replaces isoleucine, which is neutral and non-polar, with methionine, which is neutral and non-polar, at codon 207 of the SOS2 protein (p.Ile207Met). This variant is not present in population databases (gnomAD no frequency). This variant has not been reported in the literature in individuals affected with SOS2-related conditions. Invitae Evidence Modeling of protein sequence and biophysical properties (such as structural, functional, and spatial information, amino acid conservation, physicochemical variation, residue mobility, and thermodynamic stability) indicates that this missense variant is not expected to disrupt SOS2 protein function with a negative predictive value of 95%. In summary, the available evidence is currently insufficient to determine the role of this variant in disease. Therefore, it has been classified as a Variant of Uncertain Significance.

NM_006939.4(SOS2):c.621C>G (p.Ile207Met)

Gene: SOS2 (SOS Ras/Rho guanine nucleotide exchange factor 2; minus strand). Cytogenetic location: 14q21.3.
Variant type: single nucleotide variant.
Coding change: c.621C>G on transcript NM_006939.4 (MANE Select); coding-DNA position 621, C replaced by G.
Protein change: p.Ile207Met; replaces isoleucine 207 with methionine.
Molecular consequence: missense variant.
Genome position (GRCh38, 1-based): chr14:50,188,590, G>C on the plus strand (C>G on the coding strand, the complement: SOS2 is on the minus strand). VCF-style: chr14-50188590-G-C. GRCh37 (hg19) VCF-style: chr14-50655308-G-C.
Other names: c.621C>G, p.Ile207Met (NM_001411020.1); short protein forms I207M.
Identifiers: ClinVar variation 4801994 (VCV004801994.1).